The following is an entry in ClinVar:

ClinVar aggregate classification (germline): Benign/Likely benign. Review status: criteria provided, multiple submitters, no conflicts (2 of 4 stars). 11 submissions from 11 submitters: Benign (6); Likely benign (3). 2 of the submissions do not count toward it. Last evaluated 2026-05-01.

Conditions:
Usher syndrome type 2C. Also called: Usher syndrome, type 2B; USHER SYNDROME, TYPE IIC. Identifiers: Orphanet 231178, Orphanet 886, MedGen C2931213, MONDO:0011558, OMIM 605472.

Allele frequency attached by ClinVar (database versions not stated): 1000 Genomes Project 30x 0.00125; 1000 Genomes Project 0.00140; gnomAD exomes 0.00337 and 0.00588; ExAC 0.00339; gnomAD 0.00368 and 0.00378; TOPMed 0.00378; ESP Exome Variant Server 0.00423.
gnomAD v4.1: 8,999 of 1,613,894 alleles (0.56%); highest among the groups gnomAD compares: Non-Finnish European, 0.72%; 38 homozygotes.

Submissions (11):

CeGaT Center for Human Genetics Tuebingen
Classification: Likely benign. Last evaluated: 2026-05-01. Review status: criteria provided, single submitter. Criteria: CeGaT Center For Human Genetics Tuebingen Variant Classification Criteria Version 2. Collection method: clinical testing. Allele origin: germline. Affected: yes. Observed: 16 variant alleles.
Comment: ADGRV1: BP4, BS2

Labcorp Genetics (formerly Invitae), Labcorp
Classification: Benign. Last evaluated: 2026-02-02. Review status: criteria provided, single submitter. Criteria: Invitae Variant Classification Sherloc (09022015). Collection method: clinical testing. Allele origin: germline.

Illumina Laboratory Services, Illumina
Classification: Benign for Usher syndrome type 2C. Last evaluated: 2025-04-08. Review status: criteria provided, single submitter. Criteria: ICSLVariantClassificationCriteria RUGD 01 April 2020. Collection method: clinical testing. Allele origin: unknown.

Blueprint Genetics
Classification: Likely benign. Last evaluated: 2024-11-11. Review status: criteria provided, single submitter. Criteria: ACMG Guidelines, 2015. Collection method: clinical testing. Allele origin: germline.

Athena Diagnostics
Classification: Likely benign. Last evaluated: 2018-04-13. Review status: criteria provided, single submitter. Criteria: Athena Diagnostics Criteria. Collection method: clinical testing. Allele origin: germline.

Genetic Services Laboratory, University of Chicago
Classification: Benign. Last evaluated: 2015-05-22. Review status: criteria provided, single submitter. Criteria: ACMG Guidelines, 2015. Collection method: clinical testing. Allele origin: germline.

Eurofins Ntd Llc (ga)
Classification: Benign. Last evaluated: 2014-07-04. Review status: criteria provided, single submitter. Criteria: EGL Classification Definitions 2015. Collection method: clinical testing. Allele origin: germline. Observed: 1 variant allele, 1 heterozygote.

GeneDx
Classification: Benign. Last evaluated: 2013-03-14. Review status: criteria provided, single submitter. Criteria: GeneDx Variant Classification (06012015). Collection method: clinical testing. Allele origin: germline. Affected: yes.
Comment: This variant is considered likely benign or benign based on one or more of the following criteria: it is a conservative change, it occurs at a poorly conserved position in the protein, it is predicted to be benign by multiple in silico algorithms, and/or has population frequency not consistent with disease.

Laboratory for Molecular Medicine, Mass General Brigham Personalized Medicine
Classification: Benign. Last evaluated: 2012-04-30. Review status: criteria provided, single submitter. Criteria: LMM Criteria. Collection method: clinical testing. Allele origin: germline. Observed: 11 variant alleles.
Comment: Arg4770His in Exon 70 of GPR98: This variant is not expected to have clinical si gnificance because it has been identified in 0.7% (45/6636) of European American chromosomes from a broad population by the NHLBI Exome Sequencing Project (dbSNP rs41304892).

Diagnostic Laboratory, Department of Genetics, University Medical Center Groningen
Classification: Likely benign. Review status: no assertion criteria provided. Collection method: clinical testing. Allele origin: germline. Affected: yes. Study: VKGL Data-share Consensus. Not counted in ClinVar's aggregate classification.

Genome Diagnostics Laboratory, University Medical Center Utrecht
Classification: Benign. Review status: no assertion criteria provided. Collection method: clinical testing. Allele origin: germline. Affected: yes. Study: VKGL Data-share Consensus. Not counted in ClinVar's aggregate classification.

NM_032119.4(ADGRV1):c.14309G>A (p.Arg4770His)

Gene: ADGRV1 (adhesion G protein-coupled receptor V1; plus strand). Cytogenetic location: 5q14.3.
Variant type: single nucleotide variant.
Coding change: c.14309G>A on transcript NM_032119.4 (MANE Select); coding-DNA position 14309, G replaced by A.
Protein change: p.Arg4770His; replaces arginine 4770 with histidine.
Molecular consequence: missense variant. On other transcripts: non-coding transcript variant (1).
Genome position (GRCh38, 1-based): chr5:90,791,138, G>A. VCF-style: chr5-90791138-G-A. GRCh37 (hg19) VCF-style: chr5-90086955-G-A.
Other names: p.R4770H:CGC>CAC; short protein forms R4770H.
Identifiers: ClinVar variation 46270 (VCV000046270.73), dbSNP rs41304892, ClinGen allele CA138030.
Genomic context (GRCh38, chr5:90,791,138, plus strand): 5'-CATGGTTCTCTGTTTATGCAAATGATGACCCACATGGAGTATTTGCCCTGTATTCGGATC[G>A]CCAGTCAATACTTATTGGGCAGAACCTTATTAGATCCATCCAAATTAACATAACCCGGCT-3'
Protein context (NP_115495.3, residues 4760-4780): PHGVFALYSD[Arg4770His]QSILIGQNLI